The following is an entry in ClinVar:

NM_001298.3(CNGA3):c.627G>A (p.Ser209=)

Gene: CNGA3 (cyclic nucleotide gated channel subunit alpha 3; plus strand). Cytogenetic location: 2q11.2.
Variant type: single nucleotide variant.
Coding change: c.627G>A on transcript NM_001298.3 (MANE Select); coding-DNA position 627, G replaced by A.
Protein change: p.Ser209=; no amino-acid change (serine 209 retained).
Molecular consequence: synonymous variant.
Genome position (GRCh38, 1-based): chr2:98,391,924, G>A. VCF-style: chr2-98391924-G-A. GRCh37 (hg19) VCF-style: chr2-99008387-G-A.
Other names: c.573G>A, p.Ser191= (NM_001079878.2).
Identifiers: ClinVar variation 2651180 (VCV002651180.26), dbSNP rs780239212, ClinGen allele CA1793829.

ClinVar aggregate classification (germline): Likely benign. Review status: criteria provided, multiple submitters, no conflicts (2 of 4 stars). 3 submissions from 3 submitters: Likely benign (3). Last evaluated 2025-07-24.

Allele frequency attached by ClinVar (database versions not stated): gnomAD exomes 0.00001; gnomAD 0.00003; ExAC 0.00004; TOPMed 0.00006.
gnomAD v4.1: 25 of 1,614,032 alleles (0.0015%); highest among the groups gnomAD compares: African/African-American, 0.0067%; no homozygotes.

Submissions (3):

Labcorp Genetics (formerly Invitae), Labcorp
Classification: Likely benign. Last evaluated: 2025-07-24. Review status: criteria provided, single submitter. Criteria: Invitae Variant Classification Sherloc (09022015). Collection method: clinical testing. Allele origin: germline.

CeGaT Center for Human Genetics Tuebingen
Classification: Likely benign. Last evaluated: 2022-08-01. Review status: criteria provided, single submitter. Criteria: CeGaT Center For Human Genetics Tuebingen Variant Classification Criteria Version 2. Collection method: clinical testing. Allele origin: germline. Affected: yes. Observed: 1 variant allele.
Comment: CNGA3: BP4, BP7

Blueprint Genetics
Classification: Likely benign. Last evaluated: 2022-03-24. Review status: criteria provided, single submitter. Criteria: ACMG Guidelines, 2015. Collection method: clinical testing. Allele origin: germline.